The following is an entry in ClinVar:

NM_033131.4(WNT3A):c.926T>G (p.Leu309Arg)

Gene: WNT3A (Wnt family member 3A; plus strand). Cytogenetic location: 1q42.13.
Variant type: single nucleotide variant.
Coding change: c.926T>G on transcript NM_033131.4 (MANE Select); coding-DNA position 926, T replaced by G.
Protein change: p.Leu309Arg; replaces leucine 309 with arginine.
Molecular consequence: missense variant.
Genome position (GRCh38, 1-based): chr1:228,059,332, T>G. VCF-style: chr1-228059332-T-G. GRCh37 (hg19) VCF-style: chr1-228247033-T-G.
Other names: short protein forms L309R.
Identifiers: ClinVar variation 3685699 (VCV003685699.2).

ClinVar aggregate classification (germline): Uncertain significance (1 of 4 stars; one submission).

Submission:

Labcorp Genetics (formerly Invitae), Labcorp
Classification: Uncertain significance. Last evaluated: 2024-10-22. Review status: criteria provided, single submitter. Criteria: Invitae Variant Classification Sherloc (09022015). Collection method: clinical testing. Allele origin: germline.
Comment: This sequence change replaces leucine, which is neutral and non-polar, with arginine, which is basic and polar, at codon 309 of the WNT3A protein (p.Leu309Arg). This variant is not present in population databases (gnomAD no frequency). This variant has not been reported in the literature in individuals affected with WNT3A-related conditions. Invitae Evidence Modeling of protein sequence and biophysical properties (such as structural, functional, and spatial information, amino acid conservation, physicochemical variation, residue mobility, and thermodynamic stability) indicates that this missense variant is not expected to disrupt WNT3A protein function with a negative predictive value of 80%. In summary, the available evidence is currently insufficient to determine the role of this variant in disease. Therefore, it has been classified as a Variant of Uncertain Significance.